The following is an entry in ClinVar:

NM_014334.4(FRRS1L):c.862C>G (p.Leu288Val)

Gene: FRRS1L (ferric chelate reductase 1 like; minus strand). Cytogenetic location: 9q31.3.
Variant type: single nucleotide variant.
Coding change: c.862C>G on transcript NM_014334.4 (MANE Select); coding-DNA position 862, C replaced by G.
Protein change: p.Leu288Val; replaces leucine 288 with valine.
Molecular consequence: missense variant.
Genome position (GRCh38, 1-based): chr9:109,137,475, G>C on the plus strand (C>G on the coding strand, the complement: FRRS1L is on the minus strand). VCF-style: chr9-109137475-G-C. GRCh37 (hg19) VCF-style: chr9-111899755-G-C.
Other names: short protein forms L288V.
Identifiers: ClinVar variation 542869 (VCV000542869.8), dbSNP rs1554732084, ClinGen allele CA374422701.
Genomic context (GRCh38, chr9:109,137,475, plus strand): 5'-ACTTCCCAATCCATGTAATCTGTTGGCCCTGCAGCTGTGGTTAGGGGGTTCCCATCAATA[G>C]GTAGAAGGTCAGAGCAACAATCAGAAGCAAACAAAATGGAGATGAGAAGGTTTGATAGGC-3'
Protein context (NP_055149.3, residues 278-293): LLLIVALTFY[Leu288Val]LMGTP

ClinVar aggregate classification (germline): Uncertain significance (1 of 4 stars; one submission).

Conditions:
Developmental and epileptic encephalopathy, 37 (DEE37). Also called: Epileptic encephalopathy, early infantile, 37. Identifiers: MedGen C4310770, MONDO:0014859, OMIM 616981.

Allele frequency attached by ClinVar (database versions not stated): TOPMed below 0.00001.
gnomAD v4.1: 35 of 1,608,836 alleles (0.0022%); highest among the groups gnomAD compares: Non-Finnish European, 0.003%; no homozygotes.

Submission:

Labcorp Genetics (formerly Invitae), Labcorp
Classification: Uncertain significance for Developmental and epileptic encephalopathy, 37. Last evaluated: 2024-12-02. Review status: criteria provided, single submitter. Criteria: Invitae Variant Classification Sherloc (09022015). Collection method: clinical testing. Allele origin: germline.
Comment: This sequence change replaces leucine, which is neutral and non-polar, with valine, which is neutral and non-polar, at codon 339 of the FRRS1L protein (p.Leu339Val). This variant is not present in population databases (gnomAD no frequency). This variant has not been reported in the literature in individuals affected with FRRS1L-related conditions. ClinVar contains an entry for this variant (Variation ID: 542869). An algorithm developed to predict the effect of missense changes on protein structure and function (PolyPhen-2) suggests that this variant is likely to be disruptive. In summary, the available evidence is currently insufficient to determine the role of this variant in disease. Therefore, it has been classified as a Variant of Uncertain Significance.